The following is an entry in ClinVar:

ClinVar aggregate classification (germline): Pathogenic. Review status: criteria provided, single submitter (1 of 4 stars). 2 submissions from 2 submitters: Pathogenic (1). 1 of the submissions does not count toward it. Last evaluated 2026-01-20.

Conditions:
Autosomal recessive limb-girdle muscular dystrophy type 2B (LGMDR2). Also called: Limb-girdle muscular dystrophy, type 2B; MUSCULAR DYSTROPHY, LIMB-GIRDLE, TYPE 3; MUSCULAR DYSTROPHY, LIMB-GIRDLE, AUTOSOMAL RECESSIVE 2; Limb-Girdle Muscular Dystrophy Type 2B (LGMD2B). Identifiers: Orphanet 268, MedGen C1850889, MONDO:0009676, OMIM 253601.

Submissions (2):

Department of Molecular Genetics, Istishari Arab Hospital
Classification: Pathogenic for Autosomal recessive limb-girdle muscular dystrophy type 2B. Last evaluated: 2026-01-20. Review status: criteria provided, single submitter. Criteria: ACMG Guidelines, 2015. Collection method: clinical testing. Allele origin: germline. Inheritance: Autosomal recessive inheritance. Affected: yes.
Comment: The DYSF variant c.5156_5174+4dup is a 23-bp insertion at codon 1386. The insertion represented a tandem duplication resulting from replication slippage and was predicted to result in frameshift and premature termination at codon 1427. This variant is not observed in the gnomAD v4.1.0 dataset. This variant was previously reported in patients with autosomal recessive limb-girdle muscular dystrophy type 2B (PMID: 1483054, 9731527). It is classified as pathogenic based on recommendations of ACMG/AMP/ClinGen SVI guidelines.

OMIM
Classification: Pathogenic for MUSCULAR DYSTROPHY, LIMB-GIRDLE, AUTOSOMAL RECESSIVE 2. Last evaluated: 1998-09-01. Review status: no assertion criteria provided. Collection method: literature only. Allele origin: germline. Not counted in ClinVar's aggregate classification.

Literature cited by the submitters: PubMed 1483054 (cited by OMIM); PubMed 9731527 (cited by OMIM).

NM_001130987.2(DYSF):c.5156_5174+4dup

Gene: DYSF (dysferlin; plus strand). Cytogenetic location: 2p13.2.
Variant type: Duplication.
Coding change: c.5156_5174+4dup on transcript NM_001130987.2 (MANE Select); coding-DNA position 5156 through 4 bases into the intron after coding-DNA position 5174, 23 bases duplicated (TCCCACAGACCTACTGTGTGTAC).
Molecular consequence: splice donor variant.
Genome position (GRCh38, 1-based): chr2:71,664,420-71,664,442, TCCCACAGACCTACTGTGTGTAC duplicated; duplicating any 23 consecutive bases within chr2:71,664,418-71,664,442 gives the same sequence; the c. name uses the placement nearest the transcript's 3' end. VCF-style (leftmost placement, unchanged base first): chr2-71664417-G-GACTCCCACAGACCTACTGTGTGT. GRCh37 (hg19) VCF-style: chr2-71891547-G-GACTCCCACAGACCTACTGTGTGT.
Other names: c.5132_5150+4dup (NM_001130979.2); c.5153_5171+4dup (NM_001130981.2); c.5090_5108+4dup (NM_001130980.2); c.5102_5120+4dup (NM_001130978.2); c.5039_5057+4dup (NM_003494.4); c.5060_5078+4dup (NM_001130977.2); c.4997_5015+4dup (NM_001130976.2); c.5135_5153+4dup (NM_001130982.2); and 5 more.
Identifiers: ClinVar variation 6670 (VCV000006670.3), dbSNP rs786205082, ClinGen allele CA253905.